The following is an entry in ClinVar:

ClinVar aggregate classification (germline): Uncertain significance (1 of 4 stars; one submission).

Allele frequency attached by ClinVar (database versions not stated): gnomAD exomes below 0.00001.
gnomAD v4.1: 3 of 1,612,520 alleles (0.00019%); highest among the groups gnomAD compares: Non-Finnish European, 0.00025%; no homozygotes.

Submission:

Labcorp Genetics (formerly Invitae), Labcorp
Classification: Uncertain significance. Last evaluated: 2023-11-24. Review status: criteria provided, single submitter. Criteria: Invitae Variant Classification Sherloc (09022015). Collection method: clinical testing. Allele origin: germline.
Comment: This sequence change falls in intron 25 of the HYOU1 gene. It does not directly change the encoded amino acid sequence of the HYOU1 protein. It affects a nucleotide within the consensus splice site. This variant is not present in population databases (gnomAD no frequency). This variant has not been reported in the literature in individuals affected with HYOU1-related conditions. Variants that disrupt the consensus splice site are a relatively common cause of aberrant splicing (PMID: 17576681, 9536098). Algorithms developed to predict the effect of sequence changes on RNA splicing suggest that this variant may disrupt the consensus splice site. In summary, the available evidence is currently insufficient to determine the role of this variant in disease. Therefore, it has been classified as a Variant of Uncertain Significance.

Literature cited by the submitters: PubMed 17576681; PubMed 9536098.

NM_006389.5(HYOU1):c.2938+4A>G

Gene: HYOU1 (hypoxia up-regulated 1; minus strand). Cytogenetic location: 11q23.3.
Variant type: single nucleotide variant.
Coding change: c.2938+4A>G on transcript NM_006389.5 (MANE Select); 4 bases into the intron after coding-DNA position 2938, A replaced by G.
Molecular consequence: intron variant.
Genome position (GRCh38, 1-based): chr11:119,045,777, T>C on the plus strand (A>G on the coding strand, the complement: HYOU1 is on the minus strand). VCF-style: chr11-119045777-T-C. GRCh37 (hg19) VCF-style: chr11-118916489-T-C.
Other names: c.2938+4A>G (NM_001130991.3); c.2941+4A>G (NM_001411041.1).
Identifiers: ClinVar variation 2746292 (VCV002746292.3), dbSNP rs2497082086, ClinGen allele CA2575017293.